The following is an entry in ClinVar:

ClinVar aggregate classification (germline): Uncertain significance (1 of 4 stars; one submission).

Conditions:
Pulmonary fibrosis and/or bone marrow failure, Telomere-related, 3. Also called: PULMONARY FIBROSIS AND/OR BONE MARROW FAILURE SYNDROME, TELOMERE-RELATED, 3. Identifiers: Orphanet 2032, MedGen C4225346, MONDO:0014613, OMIM 616373.
Dyskeratosis congenita, autosomal recessive 5 (DKCB5). Identifiers: MedGen C3554656, MONDO:0014076, OMIM 615190.

Submission:

Labcorp Genetics (formerly Invitae), Labcorp
Classification: Uncertain significance for Dyskeratosis congenita, autosomal recessive 5; Pulmonary fibrosis and/or bone marrow failure, Telomere-related, 3. Last evaluated: 2024-06-13. Review status: criteria provided, single submitter. Criteria: Invitae Variant Classification Sherloc (09022015). Collection method: clinical testing. Allele origin: germline.
Comment: This sequence change replaces alanine, which is neutral and non-polar, with proline, which is neutral and non-polar, at codon 1230 of the RTEL1 protein (p.Ala1230Pro). This variant is not present in population databases (gnomAD no frequency). This variant has not been reported in the literature in individuals affected with RTEL1-related conditions. An algorithm developed to predict the effect of missense changes on protein structure and function (PolyPhen-2) suggests that this variant is likely to be tolerated. In summary, the available evidence is currently insufficient to determine the role of this variant in disease. Therefore, it has been classified as a Variant of Uncertain Significance.

NM_001283009.2(RTEL1):c.3688G>C (p.Ala1230Pro)

Genes: RTEL1 (regulator of telomere elongation helicase 1; plus strand), RTEL1-TNFRSF6B (RTEL1-TNFRSF6B readthrough (NMD candidate); plus strand). Cytogenetic location: 20q13.33.
Variant type: single nucleotide variant.
Coding change: c.3688G>C on transcript NM_001283009.2 (MANE Select); coding-DNA position 3688, G replaced by C.
Protein change: p.Ala1230Pro; replaces alanine 1230 with proline.
Molecular consequence: missense variant. On other transcripts: non-coding transcript variant (1), intron variant (3).
Genome position (GRCh38, 1-based): chr20:63,695,516, G>C. VCF-style: chr20-63695516-G-C. GRCh37 (hg19) VCF-style: chr20-62326869-G-C.
Other names: c.2983+36G>C (NM_001283010.1); c.3724+36G>C (NM_032957.5); c.3652+36G>C (NM_016434.4); short protein forms A1230P.
Identifiers: ClinVar variation 3756823 (VCV003756823.2).